The following is an entry in ClinVar:

ClinVar aggregate classification (germline): Likely benign. Review status: criteria provided, multiple submitters, no conflicts (2 of 4 stars). 2 submissions from 2 submitters: Likely benign (2). Last evaluated 2025-11-25.

Conditions:
COL4A2-related disorder. Also called: COL4A2-related disorders; COL4A2-related condition.

Allele frequency attached by ClinVar (database versions not stated): gnomAD exomes 0.00003; ExAC 0.00007; gnomAD 0.00014; ESP Exome Variant Server 0.00017; TOPMed 0.00022.
gnomAD v4.1: 61 of 1,614,090 alleles (0.0038%); highest among the groups gnomAD compares: African/African-American, 0.032%; no homozygotes.

Submissions (2):

PreventionGenetics, part of Exact Sciences
Classification: Likely benign for COL4A2-related condition. Last evaluated: 2025-11-25. Review status: criteria provided, single submitter. Criteria: ACMG Guidelines, 2015. Collection method: clinical testing. Allele origin: germline.
Comment: This variant is classified as likely benign based on ACMG/AMP sequence variant interpretation guidelines (Richards et al. 2015 PMID: 25741868, with internal and published modifications).

Labcorp Genetics (formerly Invitae), Labcorp
Classification: Likely benign. Last evaluated: 2025-10-27. Review status: criteria provided, single submitter. Criteria: Invitae Variant Classification Sherloc (09022015). Collection method: clinical testing. Allele origin: germline.

NM_001846.4(COL4A2):c.597C>T (p.Gly199=)

Gene: COL4A2 (collagen type IV alpha 2 chain; plus strand). Cytogenetic location: 13q34.
Variant type: single nucleotide variant.
Coding change: c.597C>T on transcript NM_001846.4 (MANE Select); coding-DNA position 597, C replaced by T.
Protein change: p.Gly199=; no amino-acid change (glycine 199 retained).
Molecular consequence: synonymous variant.
Genome position (GRCh38, 1-based): chr13:110,430,556, C>T. VCF-style: chr13-110430556-C-T. GRCh37 (hg19) VCF-style: chr13-111082903-C-T.
Other names: c.597C>T (NM_001846.3).
Identifiers: ClinVar variation 2070166 (VCV002070166.5), dbSNP rs369621560, ClinGen allele CA7048986.
Genomic context (GRCh38, chr13:110,430,556, plus strand): 5'-AGTACCAGTTTACCTCTCTTAAAAACATTCTCCCGCTGCCTATCCATAGGGACCTCCCGG[C>T]CGCCCTGGGCATGTGGGACAGATGGGTCCAGTTGGAGCTCCAGGGAGACCAGTAAGTACC-3'
Protein context (NP_001837.2, residues 189-209): PGLVGFQGPP[Gly199=]RPGHVGQMGP